The following is an entry in ClinVar:

ClinVar aggregate classification (germline): Uncertain significance. Review status: criteria provided, multiple submitters, no conflicts (2 of 4 stars). 2 submissions from 2 submitters: Uncertain significance (2). Last evaluated 2026-07-20.

Conditions:
Hereditary cancer-predisposing syndrome. Also called: Hereditary Cancer Syndrome; Hereditary neoplastic syndrome; Neoplastic Syndromes, Hereditary; Tumor predisposition. Identifiers: Orphanet 140162, MedGen C0027672, MeSH D009386, MONDO:0015356.

gnomAD v4.1: 1 of 1,598,916 alleles (0.000063%); highest among the groups gnomAD compares: Non-Finnish European, 0.000086%; no homozygotes.

Submissions (2):

Ambry Genetics
Classification: Uncertain significance for Hereditary cancer-predisposing syndrome. Last evaluated: 2026-07-20. Review status: criteria provided, single submitter. Criteria: Ambry Variant Classification Scheme 2023. Collection method: clinical testing. Allele origin: germline.
Comment: The c.1453+4A>G intronic variant results from an A to G substitution 4 nucleotides after coding exon 9 in the MSH3 gene. This nucleotide position is well conserved in available vertebrate species. In silico splice site analysis predicts that this alteration will not have any significant effect on splicing. Based on the available evidence, the clinical significance of this variant remains unclear.

Labcorp Genetics (formerly Invitae), Labcorp
Classification: Uncertain significance. Last evaluated: 2023-12-23. Review status: criteria provided, single submitter. Criteria: Invitae Variant Classification Sherloc (09022015). Collection method: clinical testing. Allele origin: germline.
Comment: This sequence change falls in intron 9 of the MSH3 gene. It does not directly change the encoded amino acid sequence of the MSH3 protein. It affects a nucleotide within the consensus splice site. This variant is not present in population databases (gnomAD no frequency). This variant has not been reported in the literature in individuals affected with MSH3-related conditions. Variants that disrupt the consensus splice site are a relatively common cause of aberrant splicing (PMID: 17576681, 9536098). Algorithms developed to predict the effect of sequence changes on RNA splicing suggest that this variant is not likely to affect RNA splicing. In summary, the available evidence is currently insufficient to determine the role of this variant in disease. Therefore, it has been classified as a Variant of Uncertain Significance.

Literature cited by the submitters: PubMed 17576681 (cited by Labcorp Genetics (formerly Invitae), Labcorp); PubMed 9536098 (cited by Labcorp Genetics (formerly Invitae), Labcorp).

NM_002439.5(MSH3):c.1453+4A>G

Gene: MSH3 (mutS homolog 3; plus strand). Cytogenetic location: 5q14.1.
Variant type: single nucleotide variant.
Coding change: c.1453+4A>G on transcript NM_002439.5 (MANE Select); 4 bases into the intron after coding-DNA position 1453, A replaced by G.
Molecular consequence: intron variant.
Genome position (GRCh38, 1-based): chr5:80,725,569, A>G. VCF-style: chr5-80725569-A-G. GRCh37 (hg19) VCF-style: chr5-80021388-A-G.
Other names: c.1453+4A>G (NM_002439.3).
Identifiers: ClinVar variation 2749182 (VCV002749182.4), dbSNP rs780101500, ClinGen allele CA2674443423.
Genomic context (GRCh38, chr5:80,725,569, plus strand): 5'-GCCATGCTTTCCAGGCAGTTACAGAGTTTTATGCAAAAGATACAGTTGACATCAAAGGTA[A>G]ATATTTTCCCTGTATGTCCTCAAGTTGAACTGATTTGAAATTTGGATAAAGGTATTAGTA-3'